The following is an entry in ClinVar:

ClinVar aggregate classification (germline): Uncertain significance (1 of 4 stars; one submission).

Conditions:
PTPRQ-related disorder. Also called: PTPRQ-related condition.

Submission:

PreventionGenetics, part of Exact Sciences
Classification: Uncertain significance for PTPRQ-related condition. Last evaluated: 2025-09-22. Review status: criteria provided, single submitter. Criteria: ACMG Guidelines, 2015. Collection method: clinical testing. Allele origin: germline.
Comment: The PTPRQ c.6644A>G variant is predicted to result in the amino acid substitution p.His2215Arg. To our knowledge, this variant has not been reported in the literature or in a large population database (gnomAD), indicating this variant is rare. At this time, the clinical significance of this variant is uncertain due to the absence of conclusive functional and genetic evidence.

NM_001145026.2(PTPRQ):c.6644A>G (p.His2215Arg)

Gene: PTPRQ (protein tyrosine phosphatase receptor type Q; plus strand). Cytogenetic location: 12q21.31.
Variant type: single nucleotide variant.
Coding change: c.6644A>G on transcript NM_001145026.2 (MANE Select); coding-DNA position 6644, A replaced by G.
Protein change: p.His2215Arg; replaces histidine 2215 with arginine.
Molecular consequence: missense variant.
Genome position (GRCh38, 1-based): chr12:80,673,210, A>G. VCF-style: chr12-80673210-A-G. GRCh37 (hg19) VCF-style: chr12-81066989-A-G.
Other names: short protein forms H2215R.
Identifiers: ClinVar variation 3348635 (VCV003348635.2).
Genomic context (GRCh38, chr12:80,673,210, plus strand): 5'-TAATTTACCCTTCCTGTAGTGCTGGAGTTGGAAGAACTGGAGTTTTTATTGCTCTGGACC[A>G]TTTAACACAACATATAAATGACCATGATTTTGTGGATATATATGGACTAGTAGCTGAACT-3'
Protein context (NP_001138498.1, residues 2205-2225): GRTGVFIALD[His2215Arg]LTQHINDHDF